The following is an entry in ClinVar:

ClinVar aggregate classification (germline): Likely pathogenic (1 of 4 stars; one submission).

gnomAD v4.1: 2 of 1,573,260 alleles (0.00013%); highest among the groups gnomAD compares: Non-Finnish European, 0.00017%; no homozygotes.

Submission:

Labcorp Genetics (formerly Invitae), Labcorp
Classification: Likely pathogenic. Last evaluated: 2023-06-29. Review status: criteria provided, single submitter. Criteria: Invitae Variant Classification Sherloc (09022015). Collection method: clinical testing. Allele origin: germline.
Comment: This sequence change affects a donor splice site in intron 1 of the PEPD gene. It is expected to disrupt RNA splicing. Variants that disrupt the donor or acceptor splice site typically lead to a loss of protein function (PMID: 16199547), and loss-of-function variants in PEPD are known to be pathogenic (PMID: 8198124, 10721675, 12384772, 17142620). This variant is not present in population databases (gnomAD no frequency). This variant has not been reported in the literature in individuals affected with PEPD-related conditions. Algorithms developed to predict the effect of sequence changes on RNA splicing suggest that this variant may disrupt the consensus splice site. In summary, the currently available evidence indicates that the variant is pathogenic, but additional data are needed to prove that conclusively. Therefore, this variant has been classified as Likely Pathogenic.

Literature cited by the submitters: PubMed 16199547; PubMed 8198124; PubMed 10721675; PubMed 12384772; PubMed 17142620.

NM_000285.4(PEPD):c.17+2T>C

Gene: PEPD (peptidase D; minus strand). Cytogenetic location: 19q13.11.
Variant type: single nucleotide variant.
Coding change: c.17+2T>C on transcript NM_000285.4 (MANE Select); the canonical splice donor site of the intron after coding-DNA position 17, T replaced by C.
Molecular consequence: splice donor variant.
Genome position (GRCh38, 1-based): chr19:33,521,742, A>G on the plus strand (T>C on the coding strand, the complement: PEPD is on the minus strand). VCF-style: chr19-33521742-A-G. GRCh37 (hg19) VCF-style: chr19-34012648-A-G.
Other names: c.17+2T>C (NM_001166057.2, NM_001166056.2).
Identifiers: ClinVar variation 2733074 (VCV002733074.3), dbSNP rs1343296636, ClinGen allele CA405234642.